The following is an entry in ClinVar:

ClinVar aggregate classification (germline): Uncertain significance (1 of 4 stars; one submission).

Conditions:
Familial adenomatous polyposis 1 (FAP1). Also called: FAMILIAL ADENOMATOUS POLYPOSIS 1, ATTENUATED; POLYPOSIS, ADENOMATOUS INTESTINAL. Identifiers: MedGen C2713442, MONDO:0021056, OMIM 175100. Disease mechanism: loss of function.

Submission:

Labcorp Genetics (formerly Invitae), Labcorp
Classification: Uncertain significance for Familial adenomatous polyposis 1. Last evaluated: 2025-10-07. Review status: criteria provided, single submitter. Criteria: Invitae Variant Classification Sherloc (09022015). Collection method: clinical testing. Allele origin: germline.
Comment: This variant, c.3046_3048del, results in the deletion of 1 amino acid(s) of the APC protein (p.Asp1016del), but otherwise preserves the integrity of the reading frame. This variant is not present in population databases (gnomAD no frequency). This variant has not been reported in the literature in individuals affected with APC-related conditions. Experimental studies and prediction algorithms are not available or were not evaluated, and the functional significance of this variant is currently unknown. In summary, the available evidence is currently insufficient to determine the role of this variant in disease. Therefore, it has been classified as a Variant of Uncertain Significance.

NM_000038.6(APC):c.3043GAT[1] (p.Asp1016del)

Gene: APC (APC regulator of Wnt signaling pathway; plus strand). Cytogenetic location: 5q22.2.
Variant type: Microsatellite.
Coding change: c.3043GAT[1] on transcript NM_000038.6 (MANE Select); one copy of the 3-base unit GAT starting at c.3043; the reference has two copies in a row; one copy, 3 bases deleted.
Protein change: p.Asp1016del; deletes aspartic acid 1016.
Molecular consequence: non-coding transcript variant (on NR_176365.1).
Genome position (GRCh38, 1-based): chr5:112,838,640-112,838,642, GAT deleted; deleting any 3 consecutive bases within chr5:112,838,637-112,838,642 gives the same sequence; the position shown is the placement nearest the transcript's 3' end. VCF-style (leftmost placement, unchanged base first): chr5-112838636-GGAT-G. GRCh37 (hg19) VCF-style: chr5-112174333-GGAT-G.
Other names: c.3097GAT[1], p.Asp1034del (NM_001354896.2, NM_001407449.1, NM_001407448.1 and 1 more transcripts); c.3073GAT[1], p.Asp1026del (NM_001354897.2); c.3043GAT[1], p.Asp1016del (NM_001354895.2, NM_001127510.3, NM_001407450.1); c.2866GAT[1], p.Asp957del (NM_001354901.2, NM_001407453.1); c.2968GAT[1], p.Asp991del (NM_001354898.2); c.2959GAT[1], p.Asp988del (NM_001354899.2); c.2989GAT[1], p.Asp998del (NM_001127511.3); c.2920GAT[1], p.Asp975del (NM_001354900.2); and 11 more; short protein forms D1006del, D1009del, D1016del, D1026del, D1034del, D1044del, D632del, D733del.
Identifiers: ClinVar variation 4803437 (VCV004803437.1).
Genomic context (GRCh38, chr5:112,838,636, plus strand): 5'-TTGCAGTTATGGTCAATACCCAGCCGACCTAGCCCATAAAATACATAGTGCAAATCATAT[GGAT>G]GATAATGATGGAGAACTAGATACACCAATAAATTATAGTCTTAAATATTCAGATGAGCAG-3'